The following is an entry in ClinVar:

NM_000057.4(BLM):c.3877G>A (p.Glu1293Lys)

Gene: BLM (BLM RecQ like helicase; plus strand). Cytogenetic location: 15q26.1.
Variant type: single nucleotide variant.
Coding change: c.3877G>A on transcript NM_000057.4 (MANE Select); coding-DNA position 3877, G replaced by A.
Protein change: p.Glu1293Lys; replaces glutamic acid 1293 with lysine.
Molecular consequence: missense variant.
Genome position (GRCh38, 1-based): chr15:90,811,207, G>A. VCF-style: chr15-90811207-G-A. GRCh37 (hg19) VCF-style: chr15-91354437-G-A.
Other names: c.3877G>A, p.Glu1293Lys (NM_001287246.2); c.3484G>A, p.Glu1162Lys (NM_001287247.2); c.2752G>A, p.Glu918Lys (NM_001287248.2); short protein forms E1162K, E1293K, E918K.
Identifiers: ClinVar variation 5032880 (VCV005032880.1).

ClinVar aggregate classification (germline): Uncertain significance (1 of 4 stars; one submission).

Conditions:
Hereditary cancer-predisposing syndrome. Also called: Neoplastic Syndromes, Hereditary; Tumor predisposition; Hereditary neoplastic syndrome; Hereditary Cancer Syndrome. Identifiers: Orphanet 140162, MedGen C0027672, MeSH D009386, MONDO:0015356.

Submission:

Ambry Genetics
Classification: Uncertain significance for Hereditary cancer-predisposing syndrome. Last evaluated: 2026-07-06. Review status: criteria provided, single submitter. Criteria: Ambry Variant Classification Scheme 2023. Collection method: clinical testing. Allele origin: germline.
Comment: The p.E1293K variant (also known as c.3877G>A), located in coding exon 20 of the BLM gene, results from a G to A substitution at nucleotide position 3877. The glutamic acid at codon 1293 is replaced by lysine, an amino acid with similar properties. This amino acid position is conserved. In addition, this alteration is predicted to be tolerated by in silico analysis. Based on the available evidence, the clinical significance of this variant remains unclear.